The following is an entry in ClinVar:

NM_001378964.1(CDON):c.3757A>G (p.Ser1253Gly)

Gene: CDON (cell adhesion associated, oncogene regulated; minus strand). Cytogenetic location: 11q24.2.
Variant type: single nucleotide variant.
Coding change: c.3757A>G on transcript NM_001378964.1 (MANE Select); coding-DNA position 3757, A replaced by G.
Protein change: p.Ser1253Gly; replaces serine 1253 with glycine.
Molecular consequence: missense variant.
Genome position (GRCh38, 1-based): chr11:125,960,980, T>C on the plus strand (A>G on the coding strand, the complement: CDON is on the minus strand). VCF-style: chr11-125960980-T-C. GRCh37 (hg19) VCF-style: chr11-125830875-T-C.
Other names: c.3826A>G, p.Ser1276Gly (NM_001243597.3); c.3757A>G, p.Ser1253Gly (NM_016952.6); short protein forms S1276G, S1253G.
Identifiers: ClinVar variation 3707952 (VCV003707952.3).

ClinVar aggregate classification (germline): Uncertain significance. Review status: criteria provided, multiple submitters, no conflicts (2 of 4 stars). 2 submissions from 2 submitters: Uncertain significance (2). Last evaluated 2025-03-15.

Conditions:
Inborn genetic diseases. Identifiers: MedGen C0950123, MeSH D030342.
Holoprosencephaly 11 (HPE11). Identifiers: Orphanet 2162, MedGen C3280215, MONDO:0013642, OMIM 614226.

gnomAD v4.1: 6 of 1,614,240 alleles (0.00037%); highest among the groups gnomAD compares: Admixed American, 0.01%; no homozygotes.

Submissions (2):

Ambry Genetics
Classification: Uncertain significance for Inborn genetic diseases. Last evaluated: 2025-03-15. Review status: criteria provided, single submitter. Criteria: Ambry Variant Classification Scheme 2023. Collection method: clinical testing. Allele origin: germline.

Labcorp Genetics (formerly Invitae), Labcorp
Classification: Uncertain significance for Holoprosencephaly 11. Last evaluated: 2024-04-10. Review status: criteria provided, single submitter. Criteria: Invitae Variant Classification Sherloc (09022015). Collection method: clinical testing. Allele origin: germline.
Comment: This sequence change replaces serine, which is neutral and polar, with glycine, which is neutral and non-polar, at codon 1253 of the CDON protein (p.Ser1253Gly). This variant is present in population databases (rs780916211, gnomAD 0.02%). This variant has not been reported in the literature in individuals affected with CDON-related conditions. Algorithms developed to predict the effect of missense changes on protein structure and function output the following: SIFT: "Not Available"; PolyPhen-2: "Benign"; Align-GVGD: "Not Available". The glycine amino acid residue is found in multiple mammalian species, which suggests that this missense change does not adversely affect protein function. In summary, the available evidence is currently insufficient to determine the role of this variant in disease. Therefore, it has been classified as a Variant of Uncertain Significance.